The following is an entry in ClinVar:

ClinVar aggregate classification (germline): Uncertain significance (1 of 4 stars; one submission).

gnomAD v4.1: 16 of 1,613,440 alleles (0.00099%); highest among the groups gnomAD compares: Non-Finnish European, 0.0011%; no homozygotes.

Submission:

Labcorp Genetics (formerly Invitae), Labcorp
Classification: Uncertain significance. Last evaluated: 2024-06-12. Review status: criteria provided, single submitter. Criteria: Invitae Variant Classification Sherloc (09022015). Collection method: clinical testing. Allele origin: germline.
Comment: This sequence change replaces glycine, which is neutral and non-polar, with serine, which is neutral and polar, at codon 2316 of the HSPG2 protein (p.Gly2316Ser). This variant is present in population databases (rs766897939, gnomAD 0.002%). This variant has not been reported in the literature in individuals affected with HSPG2-related conditions. An algorithm developed to predict the effect of missense changes on protein structure and function (PolyPhen-2) suggests that this variant is likely to be tolerated. In summary, the available evidence is currently insufficient to determine the role of this variant in disease. Therefore, it has been classified as a Variant of Uncertain Significance.

NM_005529.7(HSPG2):c.6946G>A (p.Gly2316Ser)

Gene: HSPG2 (heparan sulfate proteoglycan 2; minus strand). Cytogenetic location: 1p36.12.
Variant type: single nucleotide variant.
Coding change: c.6946G>A on transcript NM_005529.7 (MANE Select); coding-DNA position 6946, G replaced by A.
Protein change: p.Gly2316Ser; replaces glycine 2316 with serine.
Molecular consequence: missense variant.
Genome position (GRCh38, 1-based): chr1:21,851,851, C>T on the plus strand (G>A on the coding strand, the complement: HSPG2 is on the minus strand). VCF-style: chr1-21851851-C-T. GRCh37 (hg19) VCF-style: chr1-22178344-C-T.
Other names: c.6949G>A, p.Gly2317Ser (NM_001291860.2); short protein forms G2316S, G2317S.
Identifiers: ClinVar variation 3622179 (VCV003622179.2).